The following is an entry in ClinVar:

NM_003114.5(SPAG1):c.1565A>C (p.Lys522Thr)

Gene: SPAG1 (sperm associated antigen 1; plus strand). Cytogenetic location: 8q22.2.
Variant type: single nucleotide variant.
Coding change: c.1565A>C on transcript NM_003114.5 (MANE Select); coding-DNA position 1565, A replaced by C.
Protein change: p.Lys522Thr; replaces lysine 522 with threonine.
Molecular consequence: missense variant.
Genome position (GRCh38, 1-based): chr8:100,220,308, A>C. VCF-style: chr8-100220308-A-C. GRCh37 (hg19) VCF-style: chr8-101232536-A-C.
Other names: c.1565A>C, p.Lys522Thr (NM_001374321.1, NM_172218.3); short protein forms K522T.
Identifiers: ClinVar variation 2981525 (VCV002981525.3), dbSNP rs2489512999, ClinGen allele CA371811582.

ClinVar aggregate classification (germline): Uncertain significance (1 of 4 stars; one submission).

Conditions:
Primary ciliary dyskinesia 28. Also called: CILIARY DYSKINESIA, PRIMARY, 28, WITH OR WITHOUT SITUS INVERSUS. Identifiers: Orphanet 244, MedGen C3809706, MONDO:0014216, OMIM 615505.

Submission:

Labcorp Genetics (formerly Invitae), Labcorp
Classification: Uncertain significance for Primary ciliary dyskinesia 28. Last evaluated: 2022-12-15. Review status: criteria provided, single submitter. Criteria: Invitae Variant Classification Sherloc (09022015). Collection method: clinical testing. Allele origin: germline.
Comment: Advanced modeling of protein sequence and biophysical properties (such as structural, functional, and spatial information, amino acid conservation, physicochemical variation, residue mobility, and thermodynamic stability) performed at Invitae indicates that this missense variant is expected to disrupt SPAG1 protein function. This variant has not been reported in the literature in individuals affected with SPAG1-related conditions. This variant is not present in population databases (gnomAD no frequency). This sequence change replaces lysine, which is basic and polar, with threonine, which is neutral and polar, at codon 522 of the SPAG1 protein (p.Lys522Thr). In summary, the available evidence is currently insufficient to determine the role of this variant in disease. Therefore, it has been classified as a Variant of Uncertain Significance.